The following is an entry in ClinVar:

NM_000273.3(GPR143):c.736T>A (p.Phe246Ile)

Gene: GPR143 (G protein-coupled receptor 143; minus strand). Cytogenetic location: Xp22.2.
Variant type: single nucleotide variant.
Coding change: c.736T>A on transcript NM_000273.3 (MANE Select); coding-DNA position 736, T replaced by A.
Protein change: p.Phe246Ile; replaces phenylalanine 246 with isoleucine.
Molecular consequence: missense variant.
Genome position (GRCh38, 1-based): chrX:9,743,596, A>T on the plus strand (T>A on the coding strand, the complement: GPR143 is on the minus strand). VCF-style: chrX-9743596-A-T. GRCh37 (hg19) VCF-style: chrX-9711636-A-T.
Other names: short protein forms F246I.
Identifiers: ClinVar variation 3381572 (VCV003381572.1).

ClinVar aggregate classification (germline): Uncertain significance (1 of 4 stars; one submission).

Submission:

GeneDx
Classification: Uncertain significance. Last evaluated: 2024-05-20. Review status: criteria provided, single submitter. Criteria: GeneDx Variant Classification Process June 2021. Collection method: clinical testing. Allele origin: germline. Affected: yes.
Comment: Not observed at significant frequency in large population cohorts (gnomAD); In silico analysis supports that this missense variant has a deleterious effect on protein structure/function; Has not been previously published as pathogenic or benign to our knowledge